The following is an entry in ClinVar:

ClinVar aggregate classification (germline): Uncertain significance. Review status: criteria provided, multiple submitters, no conflicts (2 of 4 stars). 3 submissions from 3 submitters: Uncertain significance (3). Last evaluated 2025-02-24.

Conditions:
Inborn genetic diseases. Identifiers: MedGen C0950123, MeSH D030342.

Allele frequency attached by ClinVar (database versions not stated): TOPMed 0.00002; gnomAD 0.00003 and 0.00004; gnomAD exomes 0.00006; ExAC 0.00009.
gnomAD v4.1: 94 of 1,613,116 alleles (0.0058%); highest among the groups gnomAD compares: Non-Finnish European, 0.0078%; no homozygotes.

Submissions (3):

Ambry Genetics
Classification: Uncertain significance for Inborn genetic diseases. Last evaluated: 2025-02-24. Review status: criteria provided, single submitter. Criteria: Ambry Variant Classification Scheme 2023. Collection method: clinical testing. Allele origin: germline.

Blueprint Genetics
Classification: Uncertain significance. Last evaluated: 2024-11-07. Review status: criteria provided, single submitter. Criteria: ACMG Guidelines, 2015. Collection method: clinical testing. Allele origin: germline.

Labcorp Genetics (formerly Invitae), Labcorp
Classification: Uncertain significance. Last evaluated: 2022-10-17. Review status: criteria provided, single submitter. Criteria: Invitae Variant Classification Sherloc (09022015). Collection method: clinical testing. Allele origin: germline.
Comment: This sequence change replaces valine, which is neutral and non-polar, with leucine, which is neutral and non-polar, at codon 715 of the TTLL5 protein (p.Val715Leu). This variant is present in population databases (rs751595648, gnomAD 0.01%). This variant has not been reported in the literature in individuals affected with TTLL5-related conditions. ClinVar contains an entry for this variant (Variation ID: 1356405). Advanced modeling of protein sequence and biophysical properties (such as structural, functional, and spatial information, amino acid conservation, physicochemical variation, residue mobility, and thermodynamic stability) has been performed at Invitae for this missense variant, however the output from this modeling did not meet the statistical confidence thresholds required to predict the impact of this variant on TTLL5 protein function. In summary, the available evidence is currently insufficient to determine the role of this variant in disease. Therefore, it has been classified as a Variant of Uncertain Significance.

NM_015072.5(TTLL5):c.2143G>C (p.Val715Leu)

Gene: TTLL5 (tubulin tyrosine ligase like 5; plus strand). Cytogenetic location: 14q24.3.
Variant type: single nucleotide variant.
Coding change: c.2143G>C on transcript NM_015072.5 (MANE Select); coding-DNA position 2143, G replaced by C.
Protein change: p.Val715Leu; replaces valine 715 with leucine.
Molecular consequence: missense variant.
Genome position (GRCh38, 1-based): chr14:75,775,490, G>C. VCF-style: chr14-75775490-G-C. GRCh37 (hg19) VCF-style: chr14-76241833-G-C.
Other names: c.2143G>C (NM_015072.4); short protein forms V715L.
Identifiers: ClinVar variation 1356405 (VCV001356405.6), dbSNP rs751595648, ClinGen allele CA7279627.